The following is an entry in ClinVar:

NM_018127.7(ELAC2):c.1062C>G (p.Tyr354Ter)

Gene: ELAC2 (elaC ribonuclease Z 2; minus strand). Cytogenetic location: 17p12.
Variant type: single nucleotide variant.
Coding change: c.1062C>G on transcript NM_018127.7 (MANE Select); coding-DNA position 1062, C replaced by G.
Protein change: p.Tyr354Ter; replaces tyrosine 354 with a stop codon.
Molecular consequence: nonsense.
Genome position (GRCh38, 1-based): chr17:13,003,496, G>C on the plus strand (C>G on the coding strand, the complement: ELAC2 is on the minus strand). VCF-style: chr17-13003496-G-C. GRCh37 (hg19) VCF-style: chr17-12906813-G-C.
Other names: c.942C>G, p.Tyr314Ter (NM_001165962.2); c.1062C>G, p.Tyr354Ter (NM_173717.2); short protein forms Y314*, Y354*.
Identifiers: ClinVar variation 2115943 (VCV002115943.4), dbSNP rs2040937055, ClinGen allele CA398225729.
Genomic context (GRCh38, chr17:13,003,496, plus strand): 5'-CCCAGAAGAGTTACCCCAAGTGCCGCTGGGCTGGGCTCCATACCTCTCCATCCACTGCTG[G>C]TACCTGCTGTCCACAAGCACAGATGCTGGGGCCATGTGAACCACCAAGGCCACGGGGGCA-3'

ClinVar aggregate classification (germline): Pathogenic (1 of 4 stars; one submission).

Conditions:
Combined oxidative phosphorylation defect type 17. Also called: Combined oxidative phosphorylation deficiency 17. Identifiers: Orphanet 369913, MedGen C3809526, MONDO:0014190, OMIM 615440.

Submission:

Labcorp Genetics (formerly Invitae), Labcorp
Classification: Pathogenic for Combined oxidative phosphorylation defect type 17. Last evaluated: 2022-03-23. Review status: criteria provided, single submitter. Criteria: Invitae Variant Classification Sherloc (09022015). Collection method: clinical testing. Allele origin: germline.
Comment: This variant is not present in population databases (gnomAD no frequency). This sequence change creates a premature translational stop signal (p.Tyr354*) in the ELAC2 gene. It is expected to result in an absent or disrupted protein product. Loss-of-function variants in ELAC2 are known to be pathogenic (PMID: 27769300, 31045291). This variant has not been reported in the literature in individuals affected with ELAC2-related conditions. Algorithms developed to predict the effect of sequence changes on RNA splicing suggest that this variant may disrupt the consensus splice site. For these reasons, this variant has been classified as Pathogenic.

Literature cited by the submitters: PubMed 27769300; PubMed 31045291.